The following is an entry in ClinVar:

NM_000257.4(MYH7):c.1831A>C (p.Lys611Gln)

Gene: MYH7 (myosin heavy chain 7; minus strand). Cytogenetic location: 14q11.2.
Variant type: single nucleotide variant.
Coding change: c.1831A>C on transcript NM_000257.4 (MANE Select); coding-DNA position 1831, A replaced by C.
Protein change: p.Lys611Gln; replaces lysine 611 with glutamine.
Molecular consequence: missense variant.
Genome position (GRCh38, 1-based): chr14:23,427,642, T>G on the plus strand (A>C on the coding strand, the complement: MYH7 is on the minus strand). VCF-style: chr14-23427642-T-G. GRCh37 (hg19) VCF-style: chr14-23896851-T-G.
Other names: c.1831A>C (LRG_384t1); short protein forms K611Q.
Identifiers: ClinVar variation 234755 (VCV000234755.14), dbSNP rs876661200, ClinGen allele CA10577508.

ClinVar aggregate classification (germline): Conflicting classifications of pathogenicity. Review status: criteria provided, conflicting classifications (1 of 4 stars). 3 submissions from 3 submitters: Likely pathogenic (1); Uncertain significance (2). Last evaluated 2022-11-08.

Conditions:
Hypertrophic cardiomyopathy. Also called: HYPERTROPHIC MYOCARDIOPATHY. Identifiers: Orphanet 217569, MedGen C0007194, MeSH D002312, MONDO:0005045, HP:0001639.

Submissions (3):

GeneDx
Classification: Likely pathogenic. Last evaluated: 2022-11-08. Review status: criteria provided, single submitter. Criteria: GeneDx Variant Classification Process June 2021. Collection method: clinical testing. Allele origin: germline. Affected: yes.
Comment: Not observed at significant frequency in large population cohorts (gnomAD); In silico analysis supports that this missense variant has a deleterious effect on protein structure/function; Has not been previously published as pathogenic or benign to our knowledge; This variant is associated with the following publications: (PMID: 27532257, 29300372)

Labcorp Genetics (formerly Invitae), Labcorp
Classification: Uncertain significance for Hypertrophic cardiomyopathy. Last evaluated: 2021-07-07. Review status: criteria provided, single submitter. Criteria: Invitae Variant Classification Sherloc (09022015). Collection method: clinical testing. Allele origin: germline.
Comment: Algorithms developed to predict the effect of missense changes on protein structure and function are either unavailable or do not agree on the potential impact of this missense change (SIFT: "Deleterious"; PolyPhen-2: "Benign"; Align-GVGD: "Class C45"). In summary, the available evidence is currently insufficient to determine the role of this variant in disease. Therefore, it has been classified as a Variant of Uncertain Significance. This variant is found within a region of MYH7 between codons 181 and 937 that contains the majority of the myosin head domain. Missense variants in this region have been shown to be significantly overrepresented in individuals with hypertrophic cardiomyopathy (PMID: 27532257). ClinVar contains an entry for this variant (Variation ID: 234755). This variant has not been reported in the literature in individuals affected with MYH7-related conditions. This variant is not present in population databases (ExAC no frequency). This sequence change replaces lysine with glutamine at codon 611 of the MYH7 protein (p.Lys611Gln). The lysine residue is highly conserved and there is a small physicochemical difference between lysine and glutamine.

Blueprint Genetics
Classification: Uncertain significance. Last evaluated: 2018-09-17. Review status: criteria provided, single submitter. Criteria: ACMG Guidelines, 2015. Collection method: clinical testing. Allele origin: germline.

Literature cited by the submitters: PubMed 27532257 (cited by Labcorp Genetics (formerly Invitae), Labcorp).